The following is an entry in ClinVar:

NM_000719.7(CACNA1C):c.6224A>C (p.Glu2075Ala)

Genes: CACNA1C (calcium voltage-gated channel subunit alpha1 C; plus strand), CACNA1C-AS1 (CACNA1C antisense RNA 1; minus strand). Cytogenetic location: 12p13.33.
Variant type: single nucleotide variant.
Coding change: c.6224A>C on transcript NM_000719.7 (MANE Select); coding-DNA position 6224, A replaced by C.
Protein change: p.Glu2075Ala; replaces glutamic acid 2075 with alanine.
Molecular consequence: missense variant.
Genome position (GRCh38, 1-based): chr12:2,691,006, A>C. VCF-style: chr12-2691006-A-C. GRCh37 (hg19) VCF-style: chr12-2800172-A-C.
Other names: c.6368A>C, p.Glu2123Ala (NM_001129827.2); c.6347A>C, p.Glu2116Ala (NM_001129829.2); c.6329A>C, p.Glu2110Ala (NM_001129830.3, NM_001167624.3); c.6308A>C, p.Glu2103Ala (NM_001129831.2); c.6284A>C, p.Glu2095Ala (NM_001129832.2); c.6281A>C, p.Glu2094Ala (NM_001129833.2, NM_001129834.2, NM_001129835.2); c.6275A>C, p.Glu2092Ala (NM_001129836.2); c.6248A>C, p.Glu2083Ala (NM_001129837.2, NM_001129838.2); and 7 more; short protein forms E2064A, E2083A, E2094A, E2095A, E2116A, E2072A, E2075A, E2092A.
Identifiers: ClinVar variation 1516325 (VCV001516325.7), dbSNP rs749035949, ClinGen allele CA6390104.
Genomic context (GRCh38, chr12:2,691,006, plus strand): 5'-TCATCGAGGTCACCACCCAGGAGCTGGCCGACGCCTGCGACATGACCATAGAGGAGATGG[A>C]GAGCGCGGCCGACAACATCCTCAGCGGGGGCGCCCCACAGAGCCCCAATGGCGCCCTCTT-3'
Protein context (NP_000710.5, residues 2065-2085): DACDMTIEEM[Glu2075Ala]SAADNILSGG

ClinVar aggregate classification (germline): Conflicting classifications of pathogenicity. Review status: criteria provided, conflicting classifications (1 of 4 stars). 2 submissions from 2 submitters: Uncertain significance (1); Likely benign (1). Last evaluated 2025-03-14.

Conditions:
Long QT syndrome (LQTS). Identifiers: MedGen C0023976, MeSH D008133, MONDO:0002442. Disease mechanism: loss of function. Inheritance: Various modes of inheritance.

Allele frequency attached by ClinVar (database versions not stated): gnomAD exomes 0.00001; ExAC 0.00002; TOPMed 0.00002; gnomAD 0.00003 and 0.00004.
gnomAD v4.1: 12 of 1,600,426 alleles (0.00075%); highest among the groups gnomAD compares: Admixed American, 0.017%; no homozygotes.

Submissions (2):

GeneDx
Classification: Uncertain significance. Last evaluated: 2025-03-14. Review status: criteria provided, single submitter. Criteria: GeneDx Variant Classification Process June 2021. Collection method: clinical testing. Allele origin: germline. Affected: yes.
Comment: Not observed at significant frequency in large population cohorts (gnomAD); In silico analysis supports that this missense variant has a deleterious effect on protein structure/function; Has not been previously published as pathogenic or benign to our knowledge

Labcorp Genetics (formerly Invitae), Labcorp
Classification: Likely benign for Long QT syndrome. Last evaluated: 2022-11-22. Review status: criteria provided, single submitter. Criteria: Invitae Variant Classification Sherloc (09022015). Collection method: clinical testing. Allele origin: germline.